The following is an entry in ClinVar:

NM_199420.4(POLQ):c.716A>G (p.Tyr239Cys)

Gene: POLQ (DNA polymerase theta; minus strand). Cytogenetic location: 3q13.33.
Variant type: single nucleotide variant.
Coding change: c.716A>G on transcript NM_199420.4 (MANE Select); coding-DNA position 716, A replaced by G.
Protein change: p.Tyr239Cys; replaces tyrosine 239 with cysteine.
Molecular consequence: missense variant.
Genome position (GRCh38, 1-based): chr3:121,537,124, T>C on the plus strand (A>G on the coding strand, the complement: POLQ is on the minus strand). VCF-style: chr3-121537124-T-C. GRCh37 (hg19) VCF-style: chr3-121255971-T-C.
Other names: short protein forms Y239C.
Identifiers: ClinVar variation 1757461 (VCV001757461.4), dbSNP rs371425818, ClinGen allele CA2563748.

ClinVar aggregate classification (germline): Uncertain significance (1 of 4 stars; one submission).

Allele frequency attached by ClinVar (database versions not stated): ExAC 0.00007; gnomAD 0.00007; ESP Exome Variant Server 0.00008; TOPMed 0.00011.
gnomAD v4.1: 137 of 1,570,498 alleles (0.0087%); highest among the groups gnomAD compares: Non-Finnish European, 0.011%; 1 homozygote.

Submission:

Ambry Genetics
Classification: Uncertain significance. Last evaluated: 2024-11-01. Review status: criteria provided, single submitter. Criteria: Ambry Variant Classification Scheme 2023. Collection method: clinical testing. Allele origin: germline.
Comment: The p.Y239C variant (also known as c.716A>G), located in coding exon 5 of the POLQ gene, results from an A to G substitution at nucleotide position 716. The tyrosine at codon 239 is replaced by cysteine, an amino acid with highly dissimilar properties. This amino acid position is conserved. In addition, the in silico prediction for this alteration is inconclusive. Since supporting evidence is limited at this time, the clinical significance of this alteration remains unclear.